The following is an entry in ClinVar:

NM_005876.5(SPEG):c.1148G>C (p.Arg383Pro)

Gene: SPEG (striated muscle enriched protein kinase; plus strand). Cytogenetic location: 2q35.
Variant type: single nucleotide variant.
Coding change: c.1148G>C on transcript NM_005876.5 (MANE Select); coding-DNA position 1148, G replaced by C.
Protein change: p.Arg383Pro; replaces arginine 383 with proline.
Molecular consequence: missense variant.
Genome position (GRCh38, 1-based): chr2:219,448,306, G>C. VCF-style: chr2-219448306-G-C. GRCh37 (hg19) VCF-style: chr2-220313028-G-C.
Other names: short protein forms R383P.
Identifiers: ClinVar variation 2066188 (VCV002066188.31), dbSNP rs538170642, ClinGen allele CA2125666.

ClinVar aggregate classification (germline): Conflicting classifications of pathogenicity. Review status: criteria provided, conflicting classifications (1 of 4 stars). 5 submissions from 5 submitters: Uncertain significance (2); Likely benign (3). Last evaluated 2025-12-11.

Conditions:
Myopathy, centronuclear, 5 (CNM5). Identifiers: Orphanet 169186, MedGen C4014814, MONDO:0014418, OMIM 615959.

Allele frequency attached by ClinVar (database versions not stated): 1000 Genomes Project 0.00060; 1000 Genomes Project 30x 0.00078.
gnomAD v4.1: 550 of 1,607,594 alleles (0.034%); highest among the groups gnomAD compares: South Asian, 0.56%; 7 homozygotes.

Submissions (5):

Labcorp Genetics (formerly Invitae), Labcorp
Classification: Likely benign. Last evaluated: 2025-12-11. Review status: criteria provided, single submitter. Criteria: Invitae Variant Classification Sherloc (09022015). Collection method: clinical testing. Allele origin: germline.

Revvity Omics, Revvity
Classification: Uncertain significance for Myopathy, centronuclear, 5. Last evaluated: 2025-03-04. Review status: criteria provided, single submitter. Criteria: ACMG Guidelines, 2015. Collection method: clinical testing. Allele origin: germline.

Women's Health and Genetics/Laboratory Corporation of America, LabCorp
Classification: Likely benign. Last evaluated: 2025-02-05. Review status: criteria provided, single submitter. Criteria: LabCorp Variant Classification Summary - May 2015. Collection method: clinical testing. Allele origin: germline.
Comment: Variant summary: SPEG c.1148G>C (p.Arg383Pro) results in a non-conservative amino acid change in the encoded protein sequence. Four of five in-silico tools predict a damaging effect of the variant on protein function. The variant allele was found at a frequency of 0.00078 in 227526 control chromosomes, predominantly at a frequency of 0.0058 within the South Asian subpopulation in the gnomAD database. The observed variant frequency within South Asian control individuals in the gnomAD database exceeds the estimated maximal expected allele frequency for a pathogenic variant in SPEG causing Myopathy, Centronuclear, 5 phenotype. To our knowledge, no occurrence of c.1148G>C in individuals affected with Myopathy, Centronuclear, 5 and no experimental evidence demonstrating its impact on protein function have been reported. ClinVar contains an entry for this variant (Variation ID: 2066188). Based on the evidence outlined above, the variant was classified as likely benign.

Blueprint Genetics
Classification: Uncertain significance. Last evaluated: 2024-10-02. Review status: criteria provided, single submitter. Criteria: ACMG Guidelines, 2015. Collection method: clinical testing. Allele origin: germline.

CeGaT Center for Human Genetics Tuebingen
Classification: Likely benign. Last evaluated: 2023-07-01. Review status: criteria provided, single submitter. Criteria: CeGaT Center For Human Genetics Tuebingen Variant Classification Criteria Version 2. Collection method: clinical testing. Allele origin: germline. Affected: yes. Observed: 1 variant allele.
Comment: SPEG: BS2